The following is an entry in ClinVar:

ClinVar aggregate classification (germline): Pathogenic. Review status: criteria provided, multiple submitters, no conflicts (2 of 4 stars). 6 submissions from 6 submitters: Pathogenic (5). 1 of the submissions does not count toward it. Last evaluated 2024-10-11.

Conditions:
Singleton-Merten syndrome 1 (SGMRT1). Also called: Widened medullary cavities of bone, aortic calcification, abnormal dentition, and muscular weakness; Syndrome of widened medullary cavities of the metacarpals and phalanges, aortic calcification and abnormal dentition. Identifiers: Orphanet 85191, MedGen C4225427, MONDO:0024535, OMIM 182250.
Aicardi-Goutieres syndrome 7 (AGS7). Identifiers: Orphanet 51, MedGen C3888244, MONDO:0014367, OMIM 615846.

Allele frequency attached by ClinVar (database versions not stated): gnomAD exomes below 0.00001.
gnomAD v4.1: 1 of 1,613,890 alleles (0.000062%); highest among the groups gnomAD compares: Non-Finnish European, 0.000085%; no homozygotes.

Submissions (6):

Dasa
Classification: Pathogenic. Last evaluated: 2024-10-11. Review status: criteria provided, single submitter. Criteria: DASA Assertion Criteria. Collection method: clinical testing. Allele origin: germline.
Comment: NM_022168.4(IFIH1):c.2159G>A (p.Arg720Gln) is a missense variant that results in the substitution of arginine with glutamine. De novo occurrence has been reported in an individual with related phenotype. This variant has been recurrently observed in individuals with related phenotype (PMID: 31130681; PMID: 31898846; PMID: 24686847). The variant is present at low frequency in population datasets. Based on the available data, this variant is classified as pathogenic.

Labcorp Genetics (formerly Invitae), Labcorp
Classification: Pathogenic for Aicardi-Goutieres syndrome 7; Singleton-Merten syndrome 1. Last evaluated: 2024-07-08. Review status: criteria provided, single submitter. Criteria: Invitae Variant Classification Sherloc (09022015). Collection method: clinical testing. Allele origin: germline.
Comment: This sequence change replaces arginine, which is basic and polar, with glutamine, which is neutral and polar, at codon 720 of the IFIH1 protein (p.Arg720Gln). This variant is not present in population databases (gnomAD no frequency). This missense change has been observed in individual(s) with IFIH1-related conditions (PMID: 24686847, 30219631). In at least one individual the variant was observed to be de novo. ClinVar contains an entry for this variant (Variation ID: 137621). Advanced modeling performed at Invitae incorporating data from internal and/or published experimental studies (Invitae) indicates that this missense variant is expected to disrupt IFIH1 function with a positive predictive value of 95%. For these reasons, this variant has been classified as Pathogenic.

Baylor Genetics
Classification: Pathogenic for Singleton-Merten syndrome 1. Last evaluated: 2024-01-11. Review status: criteria provided, single submitter. Criteria: ACMG Guidelines, 2015. Collection method: clinical testing. Allele origin: unknown.

Institute of Human Genetics Munich, TUM University Hospital
Classification: Pathogenic for Aicardi-Goutieres syndrome 7. Last evaluated: 2019-05-07. Review status: criteria provided, single submitter. Criteria: Classification criteria August 2017. Collection method: clinical testing. Allele origin: de novo. Inheritance: Autosomal dominant inheritance. Affected: yes. Observed: 1 heterozygote.

Suma Genomics
Classification: Pathogenic for Aicardi-Goutieres syndrome 7. Review status: criteria provided, single submitter. Criteria: ACMG Guidelines, 2015. Collection method: clinical testing. Allele origin: germline. Inheritance: Autosomal dominant inheritance. Affected: yes.

OMIM
Classification: Pathogenic for AICARDI-GOUTIERES SYNDROME 7. Last evaluated: 2014-05-01. Review status: no assertion criteria provided. Collection method: literature only. Allele origin: germline. Not counted in ClinVar's aggregate classification.

Literature cited by the submitters: PubMed 31130681 (cited by Dasa); PubMed 31898846 (cited by Dasa); PubMed 24686847 (cited by 3 submitters); PubMed 30219631 (cited by Labcorp Genetics (formerly Invitae), Labcorp).

NM_022168.4(IFIH1):c.2159G>A (p.Arg720Gln)

Gene: IFIH1 (interferon induced with helicase C domain 1; minus strand). Cytogenetic location: 2q24.2.
Variant type: single nucleotide variant.
Coding change: c.2159G>A on transcript NM_022168.4 (MANE Select); coding-DNA position 2159, G replaced by A.
Protein change: p.Arg720Gln; replaces arginine 720 with glutamine.
Molecular consequence: missense variant.
Genome position (GRCh38, 1-based): chr2:162,276,832, C>T on the plus strand (G>A on the coding strand, the complement: IFIH1 is on the minus strand). VCF-style: chr2-162276832-C-T. GRCh37 (hg19) VCF-style: chr2-163133342-C-T.
Other names: c.2159G>A, p.Arg720Gln (LRG_1235t1); short protein forms R720Q.
Identifiers: ClinVar variation 137621 (VCV000137621.13), dbSNP rs587777445, ClinGen allele CA163189.